The following is an entry in ClinVar:

ClinVar aggregate classification (germline): Uncertain significance. Review status: criteria provided, multiple submitters, no conflicts (2 of 4 stars). 2 submissions from 2 submitters: Uncertain significance (2). Last evaluated 2022-09-19.

Allele frequency attached by ClinVar (database versions not stated): TOPMed below 0.00001.

Submissions (2):

Labcorp Genetics (formerly Invitae), Labcorp
Classification: Uncertain significance. Last evaluated: 2022-09-19. Review status: criteria provided, single submitter. Criteria: Invitae Variant Classification Sherloc (09022015). Collection method: clinical testing. Allele origin: germline.
Comment: This sequence change replaces glycine, which is neutral and non-polar, with arginine, which is basic and polar, at codon 703 of the COL11A2 protein (p.Gly703Arg). This variant is not present in population databases (gnomAD no frequency). This variant has not been reported in the literature in individuals affected with COL11A2-related conditions. ClinVar contains an entry for this variant (Variation ID: 1520295). Advanced modeling of protein sequence and biophysical properties (such as structural, functional, and spatial information, amino acid conservation, physicochemical variation, residue mobility, and thermodynamic stability) performed at Invitae indicates that this missense variant is expected to disrupt COL11A2 protein function. In summary, the available evidence is currently insufficient to determine the role of this variant in disease. Therefore, it has been classified as a Variant of Uncertain Significance.

Blueprint Genetics
Classification: Uncertain significance. Last evaluated: 2021-05-06. Review status: criteria provided, single submitter. Criteria: ACMG Guidelines, 2015. Collection method: clinical testing. Allele origin: germline.

NM_080680.3(COL11A2):c.2107G>A (p.Gly703Arg)

Gene: COL11A2 (collagen type XI alpha 2 chain; minus strand). Cytogenetic location: 6p21.32.
Variant type: single nucleotide variant.
Coding change: c.2107G>A on transcript NM_080680.3 (MANE Select); coding-DNA position 2107, G replaced by A.
Protein change: p.Gly703Arg; replaces glycine 703 with arginine.
Molecular consequence: missense variant.
Genome position (GRCh38, 1-based): chr6:33,176,729, C>T on the plus strand (G>A on the coding strand, the complement: COL11A2 is on the minus strand). VCF-style: chr6-33176729-C-T. GRCh37 (hg19) VCF-style: chr6-33144506-C-T.
Other names: c.1786G>A, p.Gly596Arg (NM_080679.3); c.1849G>A, p.Gly617Arg (NM_080681.3); short protein forms G596R, G703R, G617R.
Identifiers: ClinVar variation 1520295 (VCV001520295.4), dbSNP rs1770959145, ClinGen allele CA363650679.